The following is an entry in ClinVar:

ClinVar aggregate classification (germline): Uncertain significance (1 of 4 stars; one submission).

Allele frequency attached by ClinVar (database versions not stated): ExAC 0.00001.

Submission:

Labcorp Genetics (formerly Invitae), Labcorp
Classification: Uncertain significance. Last evaluated: 2023-07-21. Review status: criteria provided, single submitter. Criteria: Invitae Variant Classification Sherloc (09022015). Collection method: clinical testing. Allele origin: germline.
Comment: This sequence change replaces methionine, which is neutral and non-polar, with isoleucine, which is neutral and non-polar, at codon 109 of the ASRGL1 protein (p.Met109Ile). This variant is present in population databases (rs779576068, gnomAD 0.003%). This variant has not been reported in the literature in individuals affected with ASRGL1-related conditions. An algorithm developed to predict the effect of missense changes on protein structure and function (PolyPhen-2) suggests that this variant is likely to be disruptive. In summary, the available evidence is currently insufficient to determine the role of this variant in disease. Therefore, it has been classified as a Variant of Uncertain Significance.

NM_001083926.2(ASRGL1):c.327G>A (p.Met109Ile)

Gene: ASRGL1 (asparaginase and isoaspartyl peptidase 1; plus strand). Cytogenetic location: 11q12.3.
Variant type: single nucleotide variant.
Coding change: c.327G>A on transcript NM_001083926.2 (MANE Select); coding-DNA position 327, G replaced by A.
Protein change: p.Met109Ile; replaces methionine 109 with isoleucine.
Molecular consequence: missense variant.
Genome position (GRCh38, 1-based): chr11:62,356,461, G>A. VCF-style: chr11-62356461-G-A. GRCh37 (hg19) VCF-style: chr11-62123933-G-A.
Other names: c.327G>A, p.Met109Ile (NM_025080.4); short protein forms M109I.
Identifiers: ClinVar variation 2786029 (VCV002786029.3), dbSNP rs779576068, ClinGen allele CA6043149.